The following is an entry in ClinVar:

ClinVar aggregate classification (germline): Uncertain significance (1 of 4 stars; one submission).

Submission:

Labcorp Genetics (formerly Invitae), Labcorp
Classification: Uncertain significance. Last evaluated: 2021-09-24. Review status: criteria provided, single submitter. Criteria: Invitae Variant Classification Sherloc (09022015). Collection method: clinical testing. Allele origin: germline.
Comment: This variant, c.744_746dup, results in the insertion of 1 amino acid(s) to the OCA2 protein (p.Glu248_His249insGln), but otherwise preserves the integrity of the reading frame. This variant is not present in population databases (ExAC no frequency). This variant has not been reported in the literature in individuals with OCA2-related conditions. Experimental studies and prediction algorithms are not available or were not evaluated, and the functional significance of this variant is currently unknown. In summary, the available evidence is currently insufficient to determine the role of this variant in disease. Therefore, it has been classified as a Variant of Uncertain Significance.

NM_000275.3(OCA2):c.744_746dup (p.Glu248_His249insGln)

Gene: OCA2 (OCA2 melanosomal transmembrane protein; minus strand). Cytogenetic location: 15q13.1.
Variant type: Duplication.
Coding change: c.744_746dup on transcript NM_000275.3 (MANE Select); coding-DNA positions 744 to 746, 3 bases duplicated (GCA; older notation c.744_746dupGCA).
Protein change: p.Glu248_His249insGln.
Molecular consequence: inframe insertion.
Genome position (GRCh38, 1-based): chr15:28,018,458-28,018,460, TGC duplicated on the plus strand (GCA on the coding strand, the reverse complement: OCA2 is on the minus strand); duplicating any 3 consecutive bases within chr15:28,018,458-28,018,461 gives the same sequence; the c. name uses the placement nearest the transcript's 3' end. VCF-style (leftmost placement, unchanged base first): chr15-28018457-G-GTGC. GRCh37 (hg19) VCF-style: chr15-28263603-G-GTGC.
Other names: c.744_746dup, p.Glu248_His249insGln (NM_001300984.2).
Identifiers: ClinVar variation 1481417 (VCV001481417.5), dbSNP rs2141260656, ClinGen allele CA2573150573.
Genomic context (GRCh38, chr15:28,018,457, plus strand): 5'-CTGCTGTGGCCGCCGCCACCTGGAGCCCAAAGCGTCAGCCTGGGTCAGCTCCACCACGAT[G>GTGC]TGCTCTTCCCTCCCAGGACGACTCGGCCCACTGGCCACTAGGGCCCCTGCCAGGTCCACC-3'